The following is an entry in ClinVar:

ClinVar aggregate classification (germline): Uncertain significance (1 of 4 stars; one submission).

Conditions:
Mitochondrial DNA depletion syndrome 14B (cardioencephalomyopathic type). Also called: Mitochondrial DNA depletion syndrome 14 (cardioencephalomyopathic type); Mitochondrial DNA depletion syndrome 14 (encephalocardiomyopathic type). Identifiers: MedGen C6065890, MONDO:0014820, OMIM 616896.

gnomAD v4.1: 2 of 1,613,390 alleles (0.00012%); highest among the groups gnomAD compares: African/African-American, 0.0013%; no homozygotes.

Submission:

OLLIN Analises Genomicas, OLLIN
Classification: Uncertain significance for Mitochondrial DNA depletion syndrome 14B (cardioencephalomyopathic type). Last evaluated: 2026-08-06. Review status: criteria provided, single submitter. Criteria: ACMG Guidelines 2015 PMID 25741868. Collection method: clinical testing. Allele origin: germline. Inheritance: Autosomal recessive inheritance.
Comment: This missense variant, located in exon 2 (of 31), has been observed in gnomAD with an allele frequency of 0.000062%, but has not been reported in ClinVar or identified in the literature. In silico analysis predicts that this variant has a deleterious effect. According to the currently available evidence, this variant has been classified as uncertain significance (PM2_P, PP3).

NM_130837.3(OPA1):c.341C>T (p.Thr114Ile)

Gene: OPA1 (OPA1 mitochondrial dynamin like GTPase; plus strand). Cytogenetic location: 3q29.
Variant type: single nucleotide variant.
Coding change: c.341C>T on transcript NM_130837.3 (MANE Select); coding-DNA position 341, C replaced by T.
Protein change: p.Thr114Ile; replaces threonine 114 with isoleucine.
Molecular consequence: missense variant. On other transcripts: 5 prime UTR variant (2).
Genome position (GRCh38, 1-based): chr3:193,615,031, C>T. VCF-style: chr3-193615031-C-T. GRCh37 (hg19) VCF-style: chr3-193332820-C-T.
Other names: c.-32C>T (NM_001354663.2, NM_001354664.2); c.341C>T, p.Thr114Ile (NM_015560.3, NM_130831.3, NM_130832.3 and 4 more transcripts); short protein forms T114I.
Identifiers: ClinVar variation 5002700 (VCV005002700.1).